The following is an entry in ClinVar:

NM_001734.5(C1S):c.415G>T (p.Val139Leu)

Gene: C1S (complement C1s; plus strand). Cytogenetic location: 12p13.31.
Variant type: single nucleotide variant.
Coding change: c.415G>T on transcript NM_001734.5 (MANE Select); coding-DNA position 415, G replaced by T.
Protein change: p.Val139Leu; replaces valine 139 with leucine.
Molecular consequence: missense variant. On other transcripts: 5 prime UTR variant (1).
Genome position (GRCh38, 1-based): chr12:7,064,290, G>T. VCF-style: chr12-7064290-G-T. GRCh37 (hg19) VCF-style: chr12-7171594-G-T.
Other names: c.-87G>T (NM_001346850.2); c.415G>T, p.Val139Leu (NM_201442.4); short protein forms V139L.
Identifiers: ClinVar variation 2776300 (VCV002776300.3), dbSNP rs782450565, ClinGen allele CA6423452.

ClinVar aggregate classification (germline): Uncertain significance (1 of 4 stars; one submission).

Allele frequency attached by ClinVar (database versions not stated): ExAC 0.00001; gnomAD 0.00001.
gnomAD v4.1: 15 of 1,613,914 alleles (0.00093%); highest among the groups gnomAD compares: Non-Finnish European, 0.0012%; no homozygotes.

Submission:

Labcorp Genetics (formerly Invitae), Labcorp
Classification: Uncertain significance. Last evaluated: 2024-06-26. Review status: criteria provided, single submitter. Criteria: Invitae Variant Classification Sherloc (09022015). Collection method: clinical testing. Allele origin: germline.
Comment: This sequence change replaces valine, which is neutral and non-polar, with leucine, which is neutral and non-polar, at codon 139 of the C1S protein (p.Val139Leu). The frequency data for this variant in the population databases is considered unreliable, as metrics indicate poor data quality at this position in the gnomAD database. This variant has not been reported in the literature in individuals affected with C1S-related conditions. An algorithm developed to predict the effect of missense changes on protein structure and function (PolyPhen-2) suggests that this variant is likely to be tolerated. In summary, the available evidence is currently insufficient to determine the role of this variant in disease. Therefore, it has been classified as a Variant of Uncertain Significance.